The following is an entry in ClinVar:

NM_024675.4(PALB2):c.1640C>A (p.Thr547Asn)

Gene: PALB2 (partner and localizer of BRCA2; minus strand). Cytogenetic location: 16p12.2.
Variant type: single nucleotide variant.
Coding change: c.1640C>A on transcript NM_024675.4 (MANE Select); coding-DNA position 1640, C replaced by A.
Protein change: p.Thr547Asn; replaces threonine 547 with asparagine.
Molecular consequence: missense variant.
Genome position (GRCh38, 1-based): chr16:23,634,906, G>T on the plus strand (C>A on the coding strand, the complement: PALB2 is on the minus strand). VCF-style: chr16-23634906-G-T. GRCh37 (hg19) VCF-style: chr16-23646227-G-T.
Other names: short protein forms T547N.
Identifiers: ClinVar variation 920787 (VCV000920787.8), dbSNP rs1597095364, ClinGen allele CA395130179.

ClinVar aggregate classification (germline): Uncertain significance. Review status: criteria provided, multiple submitters, no conflicts (2 of 4 stars). 2 submissions from 2 submitters: Uncertain significance (2). Last evaluated 2024-05-06.

Conditions:
Hereditary cancer-predisposing syndrome. Also called: Neoplastic Syndromes, Hereditary; Tumor predisposition; Hereditary Cancer Syndrome; Hereditary neoplastic syndrome. Identifiers: Orphanet 140162, MedGen C0027672, MeSH D009386, MONDO:0015356.
Familial cancer of breast. Also called: BREAST CANCER, FAMILIAL; Hereditary breast cancer; hereditary breast carcinoma. Identifiers: Orphanet 227535, MedGen C0346153, MONDO:0016419, OMIM 114480. Disease mechanism: loss of function.

Allele frequency attached by ClinVar (database versions not stated): gnomAD exomes below 0.00001.
gnomAD v4.1: 1 of 1,614,078 alleles (0.000062%); highest among the groups gnomAD compares: Admixed American, 0.0017%; no homozygotes.

Submissions (2):

Labcorp Genetics (formerly Invitae), Labcorp
Classification: Uncertain significance for Familial cancer of breast. Last evaluated: 2024-05-06. Review status: criteria provided, single submitter. Criteria: Invitae Variant Classification Sherloc (09022015). Collection method: clinical testing. Allele origin: germline.
Comment: This sequence change replaces threonine, which is neutral and polar, with asparagine, which is neutral and polar, at codon 547 of the PALB2 protein (p.Thr547Asn). This variant is not present in population databases (gnomAD no frequency). This variant has not been reported in the literature in individuals affected with PALB2-related conditions. ClinVar contains an entry for this variant (Variation ID: 920787). Advanced modeling of protein sequence and biophysical properties (such as structural, functional, and spatial information, amino acid conservation, physicochemical variation, residue mobility, and thermodynamic stability) has been performed at Invitae for this missense variant, however the output from this modeling did not meet the statistical confidence thresholds required to predict the impact of this variant on PALB2 protein function. In summary, the available evidence is currently insufficient to determine the role of this variant in disease. Therefore, it has been classified as a Variant of Uncertain Significance.

Color Diagnostics, LLC DBA Color Health
Classification: Uncertain significance for Hereditary cancer-predisposing syndrome. Last evaluated: 2023-09-19. Review status: criteria provided, single submitter. Criteria: ACMG Guidelines, 2015. Collection method: clinical testing. Allele origin: germline.
Comment: This missense variant replaces threonine with asparagine at codon 547 of the PALB2 protein. Computational prediction suggests that this variant may not impact protein structure and function (internally defined REVEL score threshold <= 0.5, PMID: 27666373). To our knowledge, functional studies have not been reported for this variant. This variant has not been reported in individuals affected with PALB2-related disorders in the literature. This variant has not been identified in the general population by the Genome Aggregation Database (gnomAD). The available evidence is insufficient to determine the role of this variant in disease conclusively. Therefore, this variant is classified as a Variant of Uncertain Significance.